The following is an entry in ClinVar:

ClinVar aggregate classification (germline): Uncertain significance (1 of 4 stars; one submission).

Submission:

GeneDx
Classification: Uncertain significance. Last evaluated: 2025-04-03. Review status: criteria provided, single submitter. Criteria: GeneDx Variant Classification Process June 2021. Collection method: clinical testing. Allele origin: germline. Affected: yes.
Comment: Not observed at significant frequency in large population cohorts (gnomAD); In silico analysis indicates that this missense variant does not alter protein structure/function; Has not been previously published as pathogenic or benign to our knowledge

NM_020706.2(SCAF4):c.2245C>G (p.Pro749Ala)

Gene: SCAF4 (SR-related CTD associated factor 4; minus strand). Cytogenetic location: 21q22.11.
Variant type: single nucleotide variant.
Coding change: c.2245C>G on transcript NM_020706.2 (MANE Select); coding-DNA position 2245, C replaced by G.
Protein change: p.Pro749Ala; replaces proline 749 with alanine.
Molecular consequence: missense variant.
Genome position (GRCh38, 1-based): chr21:31,685,449, G>C on the plus strand (C>G on the coding strand, the complement: SCAF4 is on the minus strand). VCF-style: chr21-31685449-G-C. GRCh37 (hg19) VCF-style: chr21-33057762-G-C.
Other names: c.2200C>G, p.Pro734Ala (NM_001145444.1); c.2245C>G, p.Pro749Ala (NM_001145445.1); short protein forms P734A, P749A.
Identifiers: ClinVar variation 4278699 (VCV004278699.1).